The following is an entry in ClinVar:

ClinVar aggregate classification (germline): Uncertain significance. Review status: criteria provided, single submitter (1 of 4 stars). 2 submissions from 2 submitters: Uncertain significance (1). 1 of the submissions does not count toward it. Last evaluated 2021-08-24.

Conditions:
Microphthalmia. Also called: Microphthalmos. Identifiers: MedGen C0026010, MONDO:0021129, HP:0000568.
Isolated microphthalmia 2. Identifiers: Orphanet 2542, MedGen C1864720, MONDO:0012409, OMIM 610093.

Allele frequency attached by ClinVar (database versions not stated): gnomAD below 0.00001 and 0.00001; gnomAD exomes 0.00001; ExAC 0.00002.
gnomAD v4.1: 13 of 1,613,326 alleles (0.00081%); highest among the groups gnomAD compares: South Asian, 0.0099%; no homozygotes.

Submissions (2):

Labcorp Genetics (formerly Invitae), Labcorp
Classification: Uncertain significance for Isolated microphthalmia 2. Last evaluated: 2021-08-24. Review status: criteria provided, single submitter. Criteria: Invitae Variant Classification Sherloc (09022015). Collection method: clinical testing. Allele origin: germline.
Comment: This sequence change replaces asparagine with tyrosine at codon 141 of the VSX2 protein (p.Asn141Tyr). The asparagine residue is highly conserved and there is a large physicochemical difference between asparagine and tyrosine. This variant is present in population databases (rs761409644, ExAC 0.01%). This variant has not been reported in the literature in individuals affected with VSX2-related conditions. Algorithms developed to predict the effect of missense changes on protein structure and function are either unavailable or do not agree on the potential impact of this missense change (SIFT: "Deleterious"; PolyPhen-2: "Benign"; Align-GVGD: "Class C35"). In summary, the available evidence is currently insufficient to determine the role of this variant in disease. Therefore, it has been classified as a Variant of Uncertain Significance.

Natera, Inc.
Classification: Uncertain significance for Microphthalmia. Last evaluated: 2021-07-28. Review status: no assertion criteria provided. Collection method: clinical testing. Allele origin: germline. Not counted in ClinVar's aggregate classification.

NM_182894.3(VSX2):c.421A>T (p.Asn141Tyr)

Gene: VSX2 (visual system homeobox 2; plus strand). Cytogenetic location: 14q24.3.
Variant type: single nucleotide variant.
Coding change: c.421A>T on transcript NM_182894.3 (MANE Select); coding-DNA position 421, A replaced by T.
Protein change: p.Asn141Tyr; replaces asparagine 141 with tyrosine.
Molecular consequence: missense variant.
Genome position (GRCh38, 1-based): chr14:74,241,232, A>T. VCF-style: chr14-74241232-A-T. GRCh37 (hg19) VCF-style: chr14-74707935-A-T.
Other names: short protein forms N141Y.
Identifiers: ClinVar variation 834181 (VCV000834181.7), dbSNP rs761409644, ClinGen allele CA7266313.
Genomic context (GRCh38, chr14:74,241,232, plus strand): 5'-CGCTTTTCAGATTCTGAAGATGTTTCCTCCAGCGATCGAAAAATGTCCAAATCTGCTTTA[A>T]ACCAGACCAAGAAACGGAAGAAGCGGCGACACAGGTGAGGCCCCCGCTTTCTGTTACCTC-3'
Protein context (NP_878314.1, residues 131-151): SDRKMSKSAL[Asn141Tyr]QTKKRKKRRH